The following is an entry in ClinVar:

ClinVar aggregate classification (germline): Conflicting classifications of pathogenicity. Review status: criteria provided, conflicting classifications (1 of 4 stars). 4 submissions from 4 submitters: Uncertain significance (2); Likely benign (1). 1 of the submissions does not count toward it. Last evaluated 2026-07-09.

Conditions:
Hereditary cancer-predisposing syndrome. Also called: Neoplastic Syndromes, Hereditary; Hereditary neoplastic syndrome; Hereditary Cancer Syndrome; Tumor predisposition. Identifiers: Orphanet 140162, MedGen C0027672, MeSH D009386, MONDO:0015356.
Familial cancer of breast. Also called: hereditary breast carcinoma; Hereditary breast cancer; BREAST CANCER, FAMILIAL. Identifiers: Orphanet 227535, MedGen C0346153, MONDO:0016419, OMIM 114480. Disease mechanism: loss of function.

Submissions (4):

Ambry Genetics
Classification: Uncertain significance for Hereditary cancer-predisposing syndrome. Last evaluated: 2026-07-09. Review status: criteria provided, single submitter. Criteria: Ambry Variant Classification Scheme 2023. Collection method: clinical testing. Allele origin: germline.
Comment: The p.S264N variant (also known as c.791G>A), located in coding exon 9 of the BRCA1 gene, results from a G to A substitution at nucleotide position 791. The serine at codon 264 is replaced by asparagine, an amino acid with highly similar properties. This amino acid position is not well conserved in available vertebrate species. In addition, the in silico prediction for this alteration is inconclusive. Based on the available evidence, the clinical significance of this variant remains unclear.

GeneDx
Classification: Uncertain significance. Last evaluated: 2023-10-05. Review status: criteria provided, single submitter. Criteria: GeneDx Variant Classification Process June 2021. Collection method: clinical testing. Allele origin: germline. Affected: yes.
Comment: Published functional studies demonstrate no damaging effect: ubiquitin ligase activity similar to wildtype (Starita et al., 2015); In silico analysis suggests this variant may impact gene splicing and a published minigene assay reports shortened transcripts suggestive of alternative splicing (Anczukow et al., 2008); In silico analysis supports that this missense variant does not alter protein structure/function; Not observed at significant frequency in large population cohorts (gnomAD); Also known as 910G>A; This variant is associated with the following publications: (PMID: 18273839, 25525159, 29884841, 32377563, 25823446)

University of Washington Department of Laboratory Medicine, University of Washington
Classification: Likely benign for Hereditary cancer-predisposing syndrome. Last evaluated: 2023-03-23. Review status: criteria provided, single submitter. Criteria: Dines et al. (Genet Med. 2020). Collection method: curation. Allele origin: germline.
Comment: Missense variant in a coldspot region where missense variants are very unlikely to be pathogenic (PMID:31911673).

BRCA1 coldspot (exon 11 using historical exon numbering). Reclassification based on statistical prior probability

ClinVar Staff, National Center for Biotechnology Information (NCBI)
No classification provided. Condition: Familial cancer of breast. Review status: no classification provided. Collection method: literature only. Allele origin: germline. Affected: yes. Not counted in ClinVar's aggregate classification.

Literature cited by the submitters: PubMed 18273839 (cited by ClinVar Staff, National Center for Biotechnology Information (NCBI)).

NM_007294.4(BRCA1):c.791G>A (p.Ser264Asn)

Gene: BRCA1 (BRCA1 DNA repair associated; minus strand). Cytogenetic location: 17q21.31.
Variant type: single nucleotide variant.
Coding change: c.791G>A on transcript NM_007294.4 (MANE Select); coding-DNA position 791, G replaced by A.
Protein change: p.Ser264Asn; replaces serine 264 with asparagine.
Molecular consequence: missense variant. On other transcripts: 5 prime UTR variant (2), intron variant (136), splice donor variant (1).
Genome position (GRCh38, 1-based): chr17:43,094,740, C>T on the plus strand (G>A on the coding strand, the complement: BRCA1 is on the minus strand). VCF-style: chr17-43094740-C-T. GRCh37 (hg19) VCF-style: chr17-41246757-C-T.
Other names: c.668G>A, p.Ser223Asn (NM_001407676.1, NM_001407863.1, NM_001407648.1 and 19 more transcripts); c.578G>A, p.Ser193Asn (NM_001407898.1, NM_001407899.1, NM_001407571.1 and 9 more transcripts); c.581G>A, p.Ser194Asn (NM_001407900.1, NM_001407902.1, NM_001407904.1 and 13 more transcripts); c.665G>A, p.Ser222Asn (NM_001407687.1, NM_001407688.1, NM_001407689.1 and 11 more transcripts); c.650G>A, p.Ser217Asn (NM_001407692.1, NM_001407694.1, NM_001407695.1 and 29 more transcripts); c.647G>A, p.Ser216Asn (NM_001407740.1, NM_001407838.1, NM_001407839.1 and 20 more transcripts); c.791G>A, p.Ser264Asn (NM_001407859.1, NM_007300.4, NM_001407603.1 and 30 more transcripts); c.788G>A, p.Ser263Asn (NM_001407860.1, NM_001407861.1, NM_001407610.1 and 22 more transcripts); and 40 more; short protein forms S264N, S217N, S153N, S194N, S96N, S137N, S175N, S197N.
Identifiers: ClinVar variation 55704 (VCV000055704.6), dbSNP rs397509322, ClinGen allele CA003877.